The following is an entry in ClinVar:

ClinVar aggregate classification (germline): Uncertain significance. Review status: criteria provided, multiple submitters, no conflicts (2 of 4 stars). 3 submissions from 3 submitters: Uncertain significance (3). Last evaluated 2025-09-16.

Conditions:
Inborn genetic diseases. Identifiers: MedGen C0950123, MeSH D030342.
RTEL1-related disorder. Also called: RTEL1-related condition; RTEL1-related disorders.
Pulmonary fibrosis and/or bone marrow failure, Telomere-related, 3. Also called: PULMONARY FIBROSIS AND/OR BONE MARROW FAILURE SYNDROME, TELOMERE-RELATED, 3. Identifiers: Orphanet 2032, MedGen C4225346, MONDO:0014613, OMIM 616373.
Dyskeratosis congenita, autosomal recessive 5 (DKCB5). Identifiers: MedGen C3554656, MONDO:0014076, OMIM 615190.

Allele frequency attached by ClinVar (database versions not stated): gnomAD exomes below 0.00001; ExAC 0.00001; TOPMed 0.00001.
gnomAD v4.1: 2 of 1,612,164 alleles (0.00012%); highest among the groups gnomAD compares: Admixed American, 0.0033%; no homozygotes.

Submissions (3):

Labcorp Genetics (formerly Invitae), Labcorp
Classification: Uncertain significance for Dyskeratosis congenita, autosomal recessive 5; Pulmonary fibrosis and/or bone marrow failure, Telomere-related, 3. Last evaluated: 2025-09-16. Review status: criteria provided, single submitter. Criteria: Invitae Variant Classification Sherloc (09022015). Collection method: clinical testing. Allele origin: germline.
Comment: This sequence change replaces glycine, which is neutral and non-polar, with arginine, which is basic and polar, at codon 416 of the RTEL1 protein (p.Gly416Arg). This variant is present in population databases (rs772510897, gnomAD 0.003%). This variant has not been reported in the literature in individuals affected with RTEL1-related conditions. ClinVar contains an entry for this variant (Variation ID: 1352927). An algorithm developed to predict the effect of missense changes on protein structure and function (PolyPhen-2) suggests that this variant is likely to be disruptive. In summary, the available evidence is currently insufficient to determine the role of this variant in disease. Therefore, it has been classified as a Variant of Uncertain Significance.

PreventionGenetics, part of Exact Sciences
Classification: Uncertain significance for RTEL1-related condition. Last evaluated: 2022-12-14. Review status: criteria provided, single submitter. Criteria: ACMG Guidelines, 2015. Collection method: clinical testing. Allele origin: germline.
Comment: The RTEL1 c.1318G>A variant is predicted to result in the amino acid substitution p.Gly440Arg. To our knowledge, this variant has not been reported in the literature. This variant is reported in 0.0029% of alleles in individuals of Latino descent in gnomAD. At this time, the clinical significance of this variant is uncertain due to the absence of conclusive functional and genetic evidence.

Ambry Genetics
Classification: Uncertain significance for Inborn genetic diseases. Last evaluated: 2022-06-27. Review status: criteria provided, single submitter. Criteria: Ambry Variant Classification Scheme 2023. Collection method: clinical testing. Allele origin: germline.

NM_001283009.2(RTEL1):c.1246G>A (p.Gly416Arg)

Genes: RTEL1 (regulator of telomere elongation helicase 1; plus strand), RTEL1-TNFRSF6B (RTEL1-TNFRSF6B readthrough (NMD candidate); plus strand). Cytogenetic location: 20q13.33.
Variant type: single nucleotide variant.
Coding change: c.1246G>A on transcript NM_001283009.2 (MANE Select); coding-DNA position 1246, G replaced by A.
Protein change: p.Gly416Arg; replaces glycine 416 with arginine.
Molecular consequence: missense variant. On other transcripts: non-coding transcript variant (1).
Genome position (GRCh38, 1-based): chr20:63,685,577, G>A. VCF-style: chr20-63685577-G-A. GRCh37 (hg19) VCF-style: chr20-62316930-G-A.
Other names: c.1318G>A (NM_032957.4); c.577G>A, p.Gly193Arg (NM_001283010.1); c.1246G>A, p.Gly416Arg (NM_016434.4); c.1318G>A, p.Gly440Arg (NM_032957.5); short protein forms G193R, G416R, G440R.
Identifiers: ClinVar variation 1352927 (VCV001352927.7), dbSNP rs772510897, ClinGen allele CA9964683.
Genomic context (GRCh38, chr20:63,685,577, plus strand): 5'-TTTCAGATTGTGTTCAGTGTGGACCCCTCCGAGGGCAGCCCTGGTTCCCCAGCAGGGCTG[G>A]GGGCCTTACAGTCCTATAAGGTAGGGGCCACCTCCAGGAGGCAGGTGGAGGGCAGCCCTT-3'
Protein context (NP_001269938.1, residues 406-426): EGSPGSPAGL[Gly416Arg]ALQSYKVHIH